The following is an entry in ClinVar:

NM_025074.7(FRAS1):c.5703G>A (p.Glu1901=)

Gene: FRAS1 (Fraser extracellular matrix complex subunit 1; plus strand). Cytogenetic location: 4q21.21.
Variant type: single nucleotide variant.
Coding change: c.5703G>A on transcript NM_025074.7 (MANE Select); coding-DNA position 5703, G replaced by A.
Protein change: p.Glu1901=; no amino-acid change (glutamic acid 1901 retained).
Molecular consequence: synonymous variant.
Genome position (GRCh38, 1-based): chr4:78,445,559, G>A. VCF-style: chr4-78445559-G-A. GRCh37 (hg19) VCF-style: chr4-79366713-G-A.
Other names: c.5703G>A, p.Glu1901= (NM_001166133.2); c.5703G>A (NM_025074.6).
Identifiers: ClinVar variation 2960559 (VCV002960559.5), dbSNP rs369351042, ClinGen allele CA2977592.

ClinVar aggregate classification (germline): Likely benign. Review status: criteria provided, single submitter (1 of 4 stars). 2 submissions from 2 submitters: Likely benign (1). 1 of the submissions does not count toward it. Last evaluated 2025-09-24.

Conditions:
FRAS1-related disorder. Also called: FRAS1-related condition.

Allele frequency attached by ClinVar (database versions not stated): gnomAD exomes 0.00005; ESP Exome Variant Server 0.00008; ExAC 0.00002; gnomAD 0.00007; TOPMed 0.00008.
gnomAD v4.1: 79 of 1,607,692 alleles (0.0049%); highest among the groups gnomAD compares: Admixed American, 0.0067%; no homozygotes.

Submissions (2):

Labcorp Genetics (formerly Invitae), Labcorp
Classification: Likely benign. Last evaluated: 2025-09-24. Review status: criteria provided, single submitter. Criteria: Invitae Variant Classification Sherloc (09022015). Collection method: clinical testing. Allele origin: germline.

PreventionGenetics, part of Exact Sciences
Classification: Likely benign for FRAS1-related condition. Last evaluated: 2020-11-13. Review status: no assertion criteria provided. Collection method: clinical testing. Allele origin: germline. Not counted in ClinVar's aggregate classification.
Comment: This variant is classified as likely benign based on ACMG/AMP sequence variant interpretation guidelines (Richards et al. 2015 PMID: 25741868, with internal and published modifications).